The following is an entry in ClinVar:

NM_144573.4(NEXN):c.1537A>G (p.Met513Val)

Gene: NEXN (nexilin F-actin binding protein; plus strand). Cytogenetic location: 1p31.1.
Variant type: single nucleotide variant.
Coding change: c.1537A>G on transcript NM_144573.4 (MANE Select); coding-DNA position 1537, A replaced by G.
Protein change: p.Met513Val; replaces methionine 513 with valine.
Molecular consequence: missense variant.
Genome position (GRCh38, 1-based): chr1:77,942,086, A>G. VCF-style: chr1-77942086-A-G. GRCh37 (hg19) VCF-style: chr1-78407771-A-G.
Other names: c.1345A>G, p.Met449Val (NM_001172309.2); short protein forms M513V, M449V.
Identifiers: ClinVar variation 1774733 (VCV001774733.3), dbSNP rs376347342, ClinGen allele CA24691058.

ClinVar aggregate classification (germline): Uncertain significance (1 of 4 stars; one submission).

Conditions:
Cardiovascular phenotype. Identifiers: MedGen CN230736.

Allele frequency attached by ClinVar (database versions not stated): gnomAD exomes below 0.00001; gnomAD 0.00001; TOPMed 0.00001; ESP Exome Variant Server 0.00008.
gnomAD v4.1: 3 of 1,613,674 alleles (0.00019%); highest among the groups gnomAD compares: African/African-American, 0.0013%; no homozygotes.

Submission:

Ambry Genetics
Classification: Uncertain significance for Cardiovascular phenotype. Last evaluated: 2025-01-19. Review status: criteria provided, single submitter. Criteria: Ambry Variant Classification Scheme 2023. Collection method: clinical testing. Allele origin: germline.
Comment: The p.M513V variant (also known as c.1537A>G), located in coding exon 11 of the NEXN gene, results from an A to G substitution at nucleotide position 1537. The methionine at codon 513 is replaced by valine, an amino acid with highly similar properties. This amino acid position is conserved. In addition, this alteration is predicted to be deleterious by in silico analysis. Since supporting evidence is limited at this time, the clinical significance of this alteration remains unclear.